The following is an entry in ClinVar:

ClinVar aggregate classification (germline): Pathogenic (1 of 4 stars; one submission).

Conditions:
Short-rib thoracic dysplasia 14 with polydactyly (SRTD14). Identifiers: Orphanet 397715, MedGen C4225286, MONDO:0014688, OMIM 616546.
Joubert syndrome 23 (JBTS23). Identifiers: Orphanet 475, MedGen C4084822, MONDO:0014664, OMIM 616490.

Submission:

Labcorp Genetics (formerly Invitae), Labcorp
Classification: Pathogenic for Joubert syndrome 23; Short-rib thoracic dysplasia 14 with polydactyly. Last evaluated: 2022-11-28. Review status: criteria provided, single submitter. Criteria: Invitae Variant Classification Sherloc (09022015). Collection method: clinical testing. Allele origin: germline.
Comment: This variant has not been reported in the literature in individuals affected with KIAA0586-related conditions. This variant is present in population databases (no rsID available, gnomAD no frequency). This sequence change creates a premature translational stop signal (p.Leu59Glyfs*6) in the KIAA0586 gene. It is expected to result in an absent or disrupted protein product. Loss-of-function variants in KIAA0586 are known to be pathogenic (PMID: 26096313, 26166481, 26386044). For these reasons, this variant has been classified as Pathogenic.

Literature cited by the submitters: PubMed 26096313; PubMed 26166481; PubMed 26386044.

NM_001329943.3(KIAA0586):c.134_137dup (p.Leu47fs)

Gene: KIAA0586 (KIAA0586; plus strand). Cytogenetic location: 14q23.1.
Variant type: Duplication.
Coding change: c.134_137dup on transcript NM_001329943.3 (MANE Select); coding-DNA positions 134 to 137, 4 bases duplicated (CGGC; older notation c.134_137dupCGGC).
Protein change: p.Leu47fs; shifts the reading frame from leucine 47.
Molecular consequence: frameshift variant. On other transcripts: intron variant (5).
Genome position (GRCh38, 1-based): chr14:58,428,398-58,428,401, CGGC duplicated; duplicating any 4 consecutive bases within chr14:58,428,397-58,428,401 gives the same sequence; the c. name uses the placement nearest the transcript's 3' end. VCF-style (leftmost placement, unchanged base first): chr14-58428396-T-TCCGG. GRCh37 (hg19) VCF-style: chr14-58895114-T-TCCGG.
Other names: c.170_173dup, p.Leu59fs (NM_001244189.2); c.89_92dup, p.Leu32fs (NM_001244190.2); c.134_137dup, p.Leu47fs (NM_001329944.2, NM_001329946.2, NM_001329947.2 and 1 more transcripts); c.-57+761_-57+764dup (NM_001244192.2, NM_001244191.2); c.-57+585_-57+588dup (NM_001364701.2, NM_001329945.2, NM_001364700.1); short protein forms L32fs, L47fs, L59fs.
Identifiers: ClinVar variation 2939015 (VCV002939015.3), dbSNP rs1313375310, ClinGen allele CA614733245.
Genomic context (GRCh38, chr14:58,428,396, plus strand): 5'-AGTTTCTCAAAATCATGGAGATCATTTGGTTTTGCTGAAAGATGAGTTGCCCTGTGTTCC[T>TCCGG]CCGGCATTGTCTGCAAATAAACGTCTTCCTGTTGGAACGGGGACTAGTTTGAATGGAACA-3'